The following is an entry in ClinVar:

ClinVar aggregate classification (germline): Uncertain significance (1 of 4 stars; one submission).

Submission:

CeGaT Center for Human Genetics Tuebingen
Classification: Uncertain significance. Last evaluated: 2025-11-01. Review status: criteria provided, single submitter. Criteria: CeGaT Center For Human Genetics Tuebingen Variant Classification Criteria Version 2. Collection method: clinical testing. Allele origin: germline. Affected: yes. Observed: 1 variant allele.
Comment: SUPT16H: PM2

NM_007192.4(SUPT16H):c.439A>T (p.Met147Leu)

Gene: SUPT16H (SPT16 homolog, facilitates chromatin remodeling subunit; minus strand). Cytogenetic location: 14q11.2.
Variant type: single nucleotide variant.
Coding change: c.439A>T on transcript NM_007192.4 (MANE Select); coding-DNA position 439, A replaced by T.
Protein change: p.Met147Leu; replaces methionine 147 with leucine.
Molecular consequence: missense variant.
Genome position (GRCh38, 1-based): chr14:21,370,380, T>A on the plus strand (A>T on the coding strand, the complement: SUPT16H is on the minus strand). VCF-style: chr14-21370380-T-A. GRCh37 (hg19) VCF-style: chr14-21838539-T-A.
Other names: short protein forms M147L.
Identifiers: ClinVar variation 4535238 (VCV004535238.6).